The following is an entry in ClinVar:

ClinVar aggregate classification (germline): Benign (1 of 4 stars; one submission).

Allele frequency attached by ClinVar (database versions not stated): 1000 Genomes Project 30x 0.00219; 1000 Genomes Project 0.00240; TOPMed 0.00697; ESP Exome Variant Server 0.00831; gnomAD 0.00940; ExAC 0.01081; gnomAD exomes 0.01109.
gnomAD v4.1: 17,600 of 1,613,802 alleles (1.1%); highest among the groups gnomAD compares: Non-Finnish European, 1.2%; 149 homozygotes.

Submission:

CeGaT Center for Human Genetics Tuebingen
Classification: Benign. Last evaluated: 2026-08-01. Review status: criteria provided, single submitter. Criteria: CeGaT Center For Human Genetics Tuebingen Variant Classification Criteria Version 2. Collection method: clinical testing. Allele origin: germline. Affected: yes. Observed: 6 variant alleles.
Comment: RHCE: BP4, BS1, BS2

NM_020485.8(RHCE):c.122A>G (p.Gln41Arg)

Gene: RHCE (Rh blood group CcEe antigens; minus strand). Cytogenetic location: 1p36.11.
Variant type: single nucleotide variant.
Coding change: c.122A>G on transcript NM_020485.8 (MANE Select); coding-DNA position 122, A replaced by G.
Protein change: p.Gln41Arg; replaces glutamine 41 with arginine.
Molecular consequence: missense variant.
Genome position (GRCh38, 1-based): chr1:25,420,665, T>C on the plus strand (A>G on the coding strand, the complement: RHCE is on the minus strand). VCF-style: chr1-25420665-T-C. GRCh37 (hg19) VCF-style: chr1-25747156-T-C.
Other names: c.122A>G, p.Gln41Arg (NM_001330430.4, NM_138616.5, NM_138617.5 and 1 more transcripts); short protein forms Q41R.
Identifiers: ClinVar variation 2638500 (VCV002638500.24), dbSNP rs138268848, ClinGen allele CA694925.